The following is an entry in ClinVar:

ClinVar aggregate classification (germline): Uncertain significance. Review status: criteria provided, multiple submitters, no conflicts (2 of 4 stars). 3 submissions from 3 submitters: Uncertain significance (3). Last evaluated 2025-09-09.

Conditions:
Hereditary cancer-predisposing syndrome. Also called: Hereditary neoplastic syndrome; Neoplastic Syndromes, Hereditary; Tumor predisposition; Hereditary Cancer Syndrome. Identifiers: Orphanet 140162, MedGen C0027672, MeSH D009386, MONDO:0015356.
Global developmental delay - lung cysts - overgrowth - Wilms tumor syndrome. Also called: GLOBAL DEVELOPMENTAL DELAY, LUNG CYSTS, OVERGROWTH, AND WILMS TUMOR; GLOW Syndrome. Identifiers: Orphanet 404476, MedGen C4748924, MONDO:0018445, OMIM 618272.
DICER1-related tumor predisposition. Also called: DICER1 syndrome; DICER1-related pleuropulmonary blastoma cancer predisposition syndrome. Identifiers: Orphanet 284343, MedGen C3839822, MONDO:0100216.

Submissions (3):

Labcorp Genetics (formerly Invitae), Labcorp
Classification: Uncertain significance for DICER1-related tumor predisposition. Last evaluated: 2025-09-09. Review status: criteria provided, single submitter. Criteria: Invitae Variant Classification Sherloc (09022015). Collection method: clinical testing. Allele origin: germline.
Comment: This sequence change replaces alanine, which is neutral and non-polar, with valine, which is neutral and non-polar, at codon 1623 of the DICER1 protein (p.Ala1623Val). This variant is not present in population databases (gnomAD no frequency). This variant has not been reported in the literature in individuals affected with DICER1-related conditions. ClinVar contains an entry for this variant (Variation ID: 1047183). Invitae Evidence Modeling of protein sequence and biophysical properties (such as structural, functional, and spatial information, amino acid conservation, physicochemical variation, residue mobility, and thermodynamic stability) indicates that this missense variant is not expected to disrupt DICER1 protein function with a negative predictive value of 95%. In summary, the available evidence is currently insufficient to determine the role of this variant in disease. Therefore, it has been classified as a Variant of Uncertain Significance.

Ambry Genetics
Classification: Uncertain significance for Hereditary cancer-predisposing syndrome. Last evaluated: 2025-08-02. Review status: criteria provided, single submitter. Criteria: Ambry Variant Classification Scheme 2023. Collection method: clinical testing. Allele origin: germline.
Comment: The p.A1623V variant (also known as c.4868C>T), located in coding exon 22 of the DICER1 gene, results from a C to T substitution at nucleotide position 4868. The alanine at codon 1623 is replaced by valine, an amino acid with similar properties. This amino acid position is conserved. In addition, this alteration is predicted to be tolerated by in silico analysis. Based on the available evidence, the clinical significance of this variant remains unclear.

Baylor Genetics
Classification: Uncertain significance for Global developmental delay - lung cysts - overgrowth - Wilms tumor syndrome. Last evaluated: 2023-12-14. Review status: criteria provided, single submitter. Criteria: ACMG Guidelines, 2015. Collection method: clinical testing. Allele origin: unknown.

NM_177438.3(DICER1):c.4868C>T (p.Ala1623Val)

Gene: DICER1 (dicer 1, ribonuclease III; minus strand). Cytogenetic location: 14q32.13.
Variant type: single nucleotide variant.
Coding change: c.4868C>T on transcript NM_177438.3 (MANE Select); coding-DNA position 4868, C replaced by T.
Protein change: p.Ala1623Val; replaces alanine 1623 with valine.
Molecular consequence: missense variant.
Genome position (GRCh38, 1-based): chr14:95,096,052, G>A on the plus strand (C>T on the coding strand, the complement: DICER1 is on the minus strand). VCF-style: chr14-95096052-G-A. GRCh37 (hg19) VCF-style: chr14-95562389-G-A.
Other names: c.4868C>T, p.Ala1623Val (NM_001195573.1, NM_001271282.3, NM_001291628.2 and 1 more transcripts); c.4868C>T (NM_177438.2); short protein forms A1623V.
Identifiers: ClinVar variation 1047183 (VCV001047183.13), dbSNP rs1890291633, ClinGen allele CA390866611.